The following is an entry in ClinVar:

ClinVar aggregate classification (germline): Uncertain significance (1 of 4 stars; one submission).

Submission:

Ambry Genetics
Classification: Uncertain significance. Last evaluated: 2024-03-02. Review status: criteria provided, single submitter. Criteria: Ambry Variant Classification Scheme 2023. Collection method: clinical testing. Allele origin: germline.
Comment: The p.N343D variant (also known as c.1027A>G), located in coding exon 9 of the RAD54L gene, results from an A to G substitution at nucleotide position 1027. The asparagine at codon 343 is replaced by aspartic acid, an amino acid with highly similar properties. This amino acid position is conserved. In addition, this alteration is predicted to be deleterious by in silico analysis. Based on the available evidence, the clinical significance of this alteration remains unclear.

NM_003579.4(RAD54L):c.1027A>G (p.Asn343Asp)

Gene: RAD54L (RAD54 like; plus strand). Cytogenetic location: 1p34.1.
Variant type: single nucleotide variant.
Coding change: c.1027A>G on transcript NM_003579.4 (MANE Select); coding-DNA position 1027, A replaced by G.
Protein change: p.Asn343Asp; replaces asparagine 343 with aspartic acid.
Molecular consequence: missense variant.
Genome position (GRCh38, 1-based): chr1:46,267,594, A>G. VCF-style: chr1-46267594-A-G. GRCh37 (hg19) VCF-style: chr1-46733266-A-G.
Other names: c.1027A>G, p.Asn343Asp (NM_001142548.2); c.487A>G, p.Asn163Asp (NM_001370766.1); short protein forms N163D, N343D.
Identifiers: ClinVar variation 3223390 (VCV003223390.1), dbSNP rs2525690924, ClinGen allele CA340192728.
Genomic context (GRCh38, chr1:46,267,594, plus strand): 5'-ATCTCCGGAACTCCCATCCAGAATGATCTGCTTGAGTATTTCAGCTTGGTACATTTTGTT[A>G]ATTCCGGCATCCTAGGTAAGAATCTAGCCTTGTTTGCCACATCAGAGAGGAGCCCTGCCT-3'
Protein context (NP_003570.2, residues 333-353): LEYFSLVHFV[Asn343Asp]SGILGTAHEF